The following is an entry in ClinVar:

NM_032043.3(BRIP1):c.2428C>A (p.Leu810Ile)

Gene: BRIP1 (BRCA1 interacting DNA helicase 1; minus strand). Cytogenetic location: 17q23.2.
Variant type: single nucleotide variant.
Coding change: c.2428C>A on transcript NM_032043.3 (MANE Select); coding-DNA position 2428, C replaced by A.
Protein change: p.Leu810Ile; replaces leucine 810 with isoleucine.
Molecular consequence: missense variant.
Genome position (GRCh38, 1-based): chr17:61,716,015, G>T on the plus strand (C>A on the coding strand, the complement: BRIP1 is on the minus strand). VCF-style: chr17-61716015-G-T. GRCh37 (hg19) VCF-style: chr17-59793376-G-T.
Other names: short protein forms L810I.
Identifiers: ClinVar variation 1791114 (VCV001791114.2), dbSNP rs587780238, ClinGen allele CA400479656.
Genomic context (GRCh38, chr17:61,716,015, plus strand): 5'-CAAGGGCCTGGTTTAAGGCCCTGTATGCTTGAATTTCATACCACTGACGGCCAGGTAGAA[G>T]ACCTCTCAATTTTGAATGGTGGTCATTGTATTGTCGTTTTAGTTCAACCTAATAATTTTA-3'
Protein context (NP_114432.2, residues 800-820): YNDHHSKLRG[Leu810Ile]LPGRQWYEIQ

ClinVar aggregate classification (germline): Uncertain significance (1 of 4 stars; one submission).

Conditions:
Hereditary cancer-predisposing syndrome. Also called: Hereditary Cancer Syndrome; Hereditary neoplastic syndrome; Tumor predisposition; Neoplastic Syndromes, Hereditary. Identifiers: Orphanet 140162, MedGen C0027672, MeSH D009386, MONDO:0015356.

Submission:

Ambry Genetics
Classification: Uncertain significance for Hereditary cancer-predisposing syndrome. Last evaluated: 2021-12-11. Review status: criteria provided, single submitter. Criteria: Ambry Variant Classification Scheme 2023. Collection method: clinical testing. Allele origin: germline.
Comment: The p.L810I variant (also known as c.2428C>A), located in coding exon 16 of the BRIP1 gene, results from a C to A substitution at nucleotide position 2428. The leucine at codon 810 is replaced by isoleucine, an amino acid with highly similar properties. This amino acid position is conserved. In addition, this alteration is predicted to be tolerated by in silico analysis. Since supporting evidence is limited at this time, the clinical significance of this alteration remains unclear.